The following is an entry in ClinVar:

ClinVar aggregate classification (germline): Uncertain significance. Review status: criteria provided, single submitter (1 of 4 stars). 2 submissions from 2 submitters: Uncertain significance (1). 1 of the submissions does not count toward it. Last evaluated 2024-09-04.

Conditions:
LRRC45-related disorder. Also called: LRRC45-related condition.

Submissions (2):

Ambry Genetics
Classification: Uncertain significance. Last evaluated: 2024-09-04. Review status: criteria provided, single submitter. Criteria: Ambry Variant Classification Scheme 2023. Collection method: clinical testing. Allele origin: germline.

PreventionGenetics, part of Exact Sciences
Classification: Uncertain significance for LRRC45-related condition. Last evaluated: 2024-08-07. Review status: no assertion criteria provided. Collection method: clinical testing. Allele origin: germline. Not counted in ClinVar's aggregate classification.
Comment: The LRRC45 c.214G>A variant is predicted to result in the amino acid substitution p.Glu72Lys. To our knowledge, this variant has not been reported in the literature. This variant is reported in 0.0038% of alleles in individuals of Latino descent in gnomAD. At this time, the clinical significance of this variant is uncertain due to the absence of conclusive functional and genetic evidence.

NM_144999.4(LRRC45):c.214G>A (p.Glu72Lys)

Gene: LRRC45 (leucine rich repeat containing 45; plus strand). Cytogenetic location: 17q25.3.
Variant type: single nucleotide variant.
Coding change: c.214G>A on transcript NM_144999.4 (MANE Select); coding-DNA position 214, G replaced by A.
Protein change: p.Glu72Lys; replaces glutamic acid 72 with lysine.
Molecular consequence: missense variant.
Genome position (GRCh38, 1-based): chr17:82,023,857, G>A. VCF-style: chr17-82023857-G-A. GRCh37 (hg19) VCF-style: chr17-79981733-G-A.
Other names: c.214G>A (NM_144999.2); short protein forms E72K.
Identifiers: ClinVar variation 3355975 (VCV003355975.2).
Genomic context (GRCh38, chr17:82,023,857, plus strand): 5'-AAGCTGCTGCCGAGGGAGACGCTGTGCACGGAGCTGGTCCTGAGTGACTGCATGCTCAGC[G>A]AGGAAGGTGGGCAGGCGCGGCGGGGTGGATCCCTCTGCTCCTTAGCTGCCCACACCATTG-3'
Protein context (NP_659436.1, residues 62-82): ELVLSDCMLS[Glu72Lys]EGATLLLRGL